The following is an entry in ClinVar:

NM_002878.4(RAD51D):c.-7G>A

Genes: RAD51D (RAD51 paralog D; minus strand), RAD51L3-RFFL (RAD51L3-RFFL readthrough; minus strand). Cytogenetic location: 17q12.
Variant type: single nucleotide variant.
Coding change: c.-7G>A on transcript NM_002878.4 (MANE Select); 7 bases upstream of the start codon, G replaced by A.
Molecular consequence: 5 prime UTR variant. On other transcripts: non-coding transcript variant (2).
Genome position (GRCh38, 1-based): chr17:35,119,620, C>T on the plus strand (G>A on the coding strand, the complement: RAD51D is on the minus strand). VCF-style: chr17-35119620-C-T. GRCh37 (hg19) VCF-style: chr17-33446639-C-T.
Other names: c.-7G>A (NM_001142571.2, NM_133629.3).
Identifiers: ClinVar variation 492404 (VCV000492404.10), dbSNP rs553444507, ClinGen allele CA290007373.

ClinVar aggregate classification (germline): Uncertain significance. Review status: criteria provided, multiple submitters, no conflicts (2 of 4 stars). 4 submissions from 4 submitters: Uncertain significance (3). 1 of the submissions does not count toward it. Last evaluated 2022-11-29.

Conditions:
RAD51D-related cancer predisposition. Identifiers: MedGen CN377763, MONDO:0700274.
RAD51D-related disorder. Also called: RAD51D-related condition.
Hereditary cancer-predisposing syndrome. Also called: Hereditary neoplastic syndrome; Tumor predisposition; Hereditary Cancer Syndrome; Neoplastic Syndromes, Hereditary. Identifiers: Orphanet 140162, MedGen C0027672, MeSH D009386, MONDO:0015356.

gnomAD v4.1: 24 of 1,610,238 alleles (0.0015%); highest among the groups gnomAD compares: African/African-American, 0.0093%; no homozygotes.

Submissions (4):

Department of Pathology and Laboratory Medicine, Sinai Health System
Classification: Uncertain significance for RAD51D-related cancer predisposition. Last evaluated: 2022-11-29. Review status: criteria provided, single submitter. Criteria: ACMG Guidelines, 2015. Collection method: clinical testing. Allele origin: germline. Affected: yes.

Color Diagnostics, LLC DBA Color Health
Classification: Uncertain significance for Hereditary cancer-predisposing syndrome. Last evaluated: 2022-10-10. Review status: criteria provided, single submitter. Criteria: ACMG Guidelines, 2015. Collection method: clinical testing. Allele origin: germline.
Comment: This variant is located in the 5' untranslated region of the RAD51D gene. To our knowledge, functional studies have not been reported for this variant. This variant has not been reported in individuals affected with hereditary cancer in the literature. This variant has not been identified in the general population by the Genome Aggregation Database (gnomAD). The available evidence is insufficient to determine the role of this variant in disease conclusively. Therefore, this variant is classified as a Variant of Uncertain Significance.

Women's Health and Genetics/Laboratory Corporation of America, LabCorp
Classification: Uncertain significance. Last evaluated: 2021-07-18. Review status: criteria provided, single submitter. Criteria: LabCorp Variant Classification Summary - May 2015. Collection method: clinical testing. Allele origin: germline.
Comment: Variant summary: RAD51D c.-7G>A is located in the untranslated mRNA region upstream of the initiation codon. The variant was absent in 245760 control chromosomes. The available data on variant occurrences in the general population are insufficient to allow any conclusion about variant significance. To our knowledge, no occurrence of c.-7G>A in individuals affected with Hereditary Breast And Ovarian Cancer Syndrome and no experimental evidence demonstrating its impact on protein function have been reported. One clinical diagnostic laboratory has submitted clinical-significance assessments for this variant to ClinVar after 2014 without evidence for independent evaluation and classified the variant as uncertain significance. Based on the evidence outlined above, the variant was classified as uncertain significance.

PreventionGenetics, part of Exact Sciences
Classification: Likely benign for RAD51D-related condition. Last evaluated: 2019-04-30. Review status: no assertion criteria provided. Collection method: clinical testing. Allele origin: germline. Not counted in ClinVar's aggregate classification.
Comment: This variant is classified as likely benign based on ACMG/AMP sequence variant interpretation guidelines (Richards et al. 2015 PMID: 25741868, with internal and published modifications).